The following is an entry in ClinVar:

NM_004415.4(DSP):c.5555G>T (p.Arg1852Leu)

Gene: DSP (desmoplakin; plus strand). Cytogenetic location: 6p24.3.
Variant type: single nucleotide variant.
Coding change: c.5555G>T on transcript NM_004415.4 (MANE Select); coding-DNA position 5555, G replaced by T.
Protein change: p.Arg1852Leu; replaces arginine 1852 with leucine.
Molecular consequence: missense variant.
Genome position (GRCh38, 1-based): chr6:7,582,817, G>T. VCF-style: chr6-7582817-G-T. GRCh37 (hg19) VCF-style: chr6-7583050-G-T.
Other names: c.3758G>T, p.Arg1253Leu (NM_001008844.3); c.4226G>T, p.Arg1409Leu (NM_001319034.2); short protein forms R1253L, R1409L, R1852L.
Identifiers: ClinVar variation 2167729 (VCV002167729.5), dbSNP rs193922669, ClinGen allele CA362688880.

ClinVar aggregate classification (germline): Uncertain significance. Review status: criteria provided, multiple submitters, no conflicts (2 of 4 stars). 2 submissions from 2 submitters: Uncertain significance (2). Last evaluated 2026-07-06.

Conditions:
Arrhythmogenic right ventricular cardiomyopathy (ARVD). Also called: Cardiomyopathy, ARVC; Arrhythmogenic right ventricular dysplasia; Arrhythmogenic cardiomyopathy; Arrhythmogenic Right Ventricular Cardiomyopathy (ARVC). Identifiers: Orphanet 247, MedGen C0349788, MeSH D019571, MONDO:0016587. Disease mechanism: loss of function. Inheritance: Various modes of inheritance.
Arrhythmogenic cardiomyopathy with wooly hair and keratoderma. Also called: PALMOPLANTAR KERATODERMA WITH LEFT VENTRICULAR CARDIOMYOPATHY AND WOOLLY HAIR; Carvajal syndrome; Dilated cardiomyopathy with woolly hair and keratoderma; Arrhythmogenic cardiomyopathy with woolly hair and keratoderma. Identifiers: Orphanet 65282, MedGen C1854063, MONDO:0011581, OMIM 605676.
Arrhythmogenic right ventricular dysplasia 8 (ARVD8). Also called: Arrhythmogenic Right Ventricular Dysplasia/Cardiomyopathy 8; ARRHYTHMOGENIC RIGHT VENTRICULAR DYSPLASIA, FAMILIAL, 8; ARRHYTHMOGENIC RIGHT VENTRICULAR CARDIOMYOPATHY 8. Identifiers: MedGen C1843896, MONDO:0011831, OMIM 607450.

Submissions (2):

Helix
Classification: Uncertain significance for Arrhythmogenic right ventricular cardiomyopathy. Last evaluated: 2026-07-06. Review status: criteria provided, single submitter. Criteria: ACMG Guidelines, 2015. Collection method: clinical testing. Allele origin: germline. Inheritance: Autosomal dominant inheritance.
Comment: This variant (NM_004415.4:c.5555G>T p.Arg1852Leu) results in the substitution of arginine with leucine at codon 1852 in the DSP protein. It is a rare variant that is absent from the large gnomAD population database (v4.1). To our knowledge, this variant has not been reported in individuals with DSP-related conditions in the published literature. In silico prediction from REVEL (PMID: 27666373) suggests that this variant may be benign. This variant is present in ClinVar (Accession: VCV002167729.4). In conclusion, since the available evidence is limited, the clinical significance of this variant is unclear at this time. Therefore, it is classified as a Variant of Uncertain Significance.

Labcorp Genetics (formerly Invitae), Labcorp
Classification: Uncertain significance for Arrhythmogenic cardiomyopathy with wooly hair and keratoderma; Arrhythmogenic right ventricular dysplasia 8. Last evaluated: 2022-04-20. Review status: criteria provided, single submitter. Criteria: Invitae Variant Classification Sherloc (09022015). Collection method: clinical testing. Allele origin: germline.
Comment: This sequence change replaces arginine, which is basic and polar, with leucine, which is neutral and non-polar, at codon 1852 of the DSP protein (p.Arg1852Leu). This variant is not present in population databases (gnomAD no frequency). This variant has not been reported in the literature in individuals affected with DSP-related conditions. Algorithms developed to predict the effect of missense changes on protein structure and function are either unavailable or do not agree on the potential impact of this missense change (SIFT: "Deleterious"; PolyPhen-2: "Benign"; Align-GVGD: "Class C15"). In summary, the available evidence is currently insufficient to determine the role of this variant in disease. Therefore, it has been classified as a Variant of Uncertain Significance.